The following is an entry in ClinVar:

NM_003718.5(CDK13):c.3096C>T (p.Gly1032=)

Gene: CDK13 (cyclin dependent kinase 13; plus strand). Cytogenetic location: 7p14.1.
Variant type: single nucleotide variant.
Coding change: c.3096C>T on transcript NM_003718.5 (MANE Select); coding-DNA position 3096, C replaced by T.
Protein change: p.Gly1032=; no amino-acid change (glycine 1032 retained).
Molecular consequence: synonymous variant.
Genome position (GRCh38, 1-based): chr7:40,088,192, C>T. VCF-style: chr7-40088192-C-T. GRCh37 (hg19) VCF-style: chr7-40127791-C-T.
Other names: c.3096C>T, p.Gly1032= (NM_031267.4).
Identifiers: ClinVar variation 2446278 (VCV002446278.1), dbSNP rs2484054811, ClinGen allele CA367293211.

ClinVar aggregate classification (germline): Uncertain significance (1 of 4 stars; one submission).

Submission:

GeneDx
Classification: Uncertain significance. Last evaluated: 2022-09-23. Review status: criteria provided, single submitter. Criteria: GeneDx Variant Classification Process June 2021. Collection method: clinical testing. Allele origin: germline. Affected: yes.
Comment: Not observed at significant frequency in large population cohorts (gnomAD); Has not been previously published as pathogenic or benign to our knowledge; In silico analysis suggests this variant may impact gene splicing. In the absence of RNA/functional studies, the actual effect of this sequence change is unknown.